The following continues an entry in ClinVar:

NM_000090.4(COL3A1):c.970G>A (p.Gly324Ser)

Gene: COL3A1. ClinVar aggregate classification (germline): Pathogenic/Likely pathogenic. Pathogenic (9); Likely pathogenic (2).

Submissions 7 to 12 of 12:

Human Genome Sequencing Center Clinical Lab, Baylor College of Medicine
Classification: Pathogenic for vascular Ehlers-Danlos syndrome. Last evaluated: 2023-10-02. Review status: criteria provided, single submitter. Criteria: ACMG Guidelines, 2015. Collection method: clinical testing. Allele origin: unknown.
Comment: The c.970G>A (p.Gly324Ser) variant in COL3A1 gene that encodes for collagen type III alpha 1 chain, has been reported in several individuals (>10) affected with vascular Ehlers-Danlos syndrome or other COL3A1 related phenotypes (PMID: 22713205, 23234825, 25758994, 31008308, 30474650, 31126764, 31903434, 31791984, 35699227, 36977837, 37042257). This variant affects the conserved glycine residue and changes to this amino acid in COL3A1 protein are significantly enriched in individuals with COL3A1-related conditions (PMID: 24922459, 25758994). Glycine residues within the Gly-X-Y repeats of the triple helix domain are required for the structure and stability of fibrillar collagens (PMID: 7695699, 8218237, 19344236). In-silico computational prediction tools suggest that the p.Gly324Ser variant may have deleterious effect on the protein function (REVEL score: 0.98). This variant is absent in the general population database gnomAD and interpreted as pathogenic by several submitters in ClinVar database (ClinVar ID: 101388). Therefore, the c.970G>A (p.Gly324Ser) variant in COL3A1 is classified as pathogenic.

Women's Health and Genetics/Laboratory Corporation of America, LabCorp
Classification: Pathogenic for Ehlers-Danlos syndrome, type 4. Last evaluated: 2021-12-20. Review status: criteria provided, single submitter. Criteria: LabCorp Variant Classification Summary - May 2015. Collection method: clinical testing. Allele origin: germline.
Comment: Variant summary: COL3A1 c.970G>A (p.Gly324Ser) results in a non-conservative amino acid change located in the Collagen triple helix repeat (IPR008160) of the encoded protein sequence. Five of five in-silico tools predict a damaging effect of the variant on protein function. The variant was absent in 251412 control chromosomes. c.970G>A has been reported in the literature in multiple individuals affected with Ehlers-Danlos Syndrome, Vascular Type (example: Legrand_2019, Traenka_2019, Frank_2015, Pepin_2014). These data indicate that the variant is very likely to be associated with disease. To our knowledge, no experimental evidence demonstrating an impact on protein function has been reported. Three ClinVar submitters have assessed the variant since 2014: two submitters have classified the variant as pathogenic and one as likely pathogenic. Based on the evidence outlined above, the variant was classified as pathogenic.

GeneDx
Classification: Pathogenic. Last evaluated: 2020-07-07. Review status: criteria provided, single submitter. Criteria: GeneDx Variant Classification Process June 2021. Collection method: clinical testing. Allele origin: germline. Affected: yes.
Comment: Not observed in large population cohorts (gnomAD); In silico analysis supports that this missense variant has a deleterious effect on protein structure/function; Occurs in the triple helical domain and replaces the glycine in the canonical Gly-X-Y repeat; missense substitution of a canonical glycine residue is expected to disrupt normal protein folding and function, and this is an established mechanism of disease (HGMD); This variant is associated with the following publications: (PMID: 23234825, 24922459, 22713205, 31791984, 31008308, 31903434, 30474650, 17053184, 25758994, 31126764)

Laboratory for Molecular Medicine, Mass General Brigham Personalized Medicine
Classification: Likely pathogenic for Ehlers-Danlos syndrome, type 4. Last evaluated: 2020-04-16. Review status: criteria provided, single submitter. Criteria: ACMG Guidelines, 2015. Collection method: clinical testing. Allele origin: germline. Inheritance: Autosomal dominant inheritance.
Comment: The p.Gly324Ser variant in COL3A1 has been reported in at least 6 individuals with clinical features of Ehlers-Danlos syndrome type IV (EDS IV, vascular), and segregated with disease in 1 affected relative; however, 3 carriers of theis variant from 1 family did not display any features of EDSIV, vascular (Pepin 2014, Ellis 2012, Frank 2015, Martin 2006). This variant was absent from large population studies and has also been reported in ClinVar (Variation ID 101388). Computational prediction tools and conservation analysis suggest that this variant may impact the protein, though this information is not predictive enough to determine pathogenicity. Variants in COL3A1 affecting conserved glycine (Gly) residues of the G-X-Y repeat region in the triple helical collagen domain, where this variant is located, are strongly associated with EDS IV (Pepin 2000, Pepin 2014, Frank 2015). In summary, although additional studies are required to fully establish its clinical significance, this variant meets criteria to be classified as likely pathogenic for autosomal dominant EDS IV. ACMG/AMP Criteria applied: PM1, PS4, PM2, PP3.

Fulgent Genetics
Classification: Pathogenic for Ehlers-Danlos syndrome, type 4. Last evaluated: 2018-10-31. Review status: criteria provided, single submitter. Criteria: ACMG Guidelines, 2015. Collection method: clinical testing. Allele origin: unknown.

Collagen Diagnostic Laboratory, University of Washington
Classification: Pathogenic for Ehlers-Danlos syndrome, type 4. Review status: no assertion criteria provided. Collection method: clinical testing. Allele origin: germline. Affected: yes. Not counted in ClinVar's aggregate classification.

Literature cited by the submitters: PubMed 17053184 (cited by 6 submitters); PubMed 22713205 (cited by 6 submitters); PubMed 23234825 (cited by 7 submitters); PubMed 25758994 (cited by 8 submitters); PubMed 7695699 (cited by 3 submitters); PubMed 8218237 (cited by 3 submitters); PubMed 19344236 (cited by 3 submitters); PubMed 24922459 (cited by 6 submitters); PubMed 31075413 (cited by Variantyx, Inc.); PubMed 30474650 (cited by 4 submitters); PubMed 31903434 (cited by 4 submitters); PubMed 35699227 (cited by 3 submitters); PubMed 31008308 (cited by All of Us Research Program, National Institutes of Health and Color Diagnostics, LLC DBA Color Health); PubMed 31126764 (cited by All of Us Research Program, National Institutes of Health and Color Diagnostics, LLC DBA Color Health); PubMed 31791984 (cited by All of Us Research Program, National Institutes of Health and Color Diagnostics, LLC DBA Color Health); PubMed 36977837 (cited by All of Us Research Program, National Institutes of Health and Color Diagnostics, LLC DBA Color Health); PubMed 37042257 (cited by All of Us Research Program, National Institutes of Health and Color Diagnostics, LLC DBA Color Health); PubMed 29907982 (cited by 3billion).